The following is an entry in ClinVar:

NM_005120.3(MED12):c.5440G>A (p.Val1814Met)

Gene: MED12 (mediator complex subunit 12; plus strand). Cytogenetic location: Xq13.1.
Variant type: single nucleotide variant.
Coding change: c.5440G>A on transcript NM_005120.3 (MANE Select); coding-DNA position 5440, G replaced by A.
Protein change: p.Val1814Met; replaces valine 1814 with methionine.
Molecular consequence: missense variant.
Genome position (GRCh38, 1-based): chrX:71,136,918, G>A. VCF-style: chrX-71136918-G-A. GRCh37 (hg19) VCF-style: chrX-70356768-G-A.
Other names: short protein forms V1814M.
Identifiers: ClinVar variation 3014268 (VCV003014268.3), dbSNP rs1433783461, ClinGen allele CA413535602.

ClinVar aggregate classification (germline): Uncertain significance (1 of 4 stars; one submission).

Conditions:
FG syndrome (FGS). Identifiers: MedGen C0220769, MONDO:0002010.

Allele frequency attached by ClinVar (database versions not stated): TOPMed 0.00001.

Submission:

Labcorp Genetics (formerly Invitae), Labcorp
Classification: Uncertain significance for FG syndrome. Last evaluated: 2023-10-16. Review status: criteria provided, single submitter. Criteria: Invitae Variant Classification Sherloc (09022015). Collection method: clinical testing. Allele origin: germline.
Comment: This sequence change replaces valine, which is neutral and non-polar, with methionine, which is neutral and non-polar, at codon 1814 of the MED12 protein (p.Val1814Met). This variant is not present in population databases (gnomAD no frequency). This variant has not been reported in the literature in individuals affected with MED12-related conditions. Advanced modeling of protein sequence and biophysical properties (such as structural, functional, and spatial information, amino acid conservation, physicochemical variation, residue mobility, and thermodynamic stability) performed at Invitae indicates that this missense variant is not expected to disrupt MED12 protein function. In summary, the available evidence is currently insufficient to determine the role of this variant in disease. Therefore, it has been classified as a Variant of Uncertain Significance.